The following is an entry in ClinVar:

NM_172245.4(CSF2RA):c.703G>A (p.Val235Ile)

Gene: CSF2RA (colony stimulating factor 2 receptor subunit alpha; plus strand). Cytogenetic location: Xp22.33.
Variant type: single nucleotide variant.
Coding change: c.703G>A on transcript NM_172245.4 (MANE Select); coding-DNA position 703, G replaced by A.
Protein change: p.Val235Ile; replaces valine 235 with isoleucine.
Molecular consequence: missense variant. On other transcripts: synonymous variant (1), non-coding transcript variant (1), intron variant (1).
Genome position (GRCh38, 1-based): chrX:1,294,384, G>A. VCF-style: chrX-1294384-G-A. GRCh37 (hg19) VCF-style: chrX-1413277-G-A.
Other names: c.703G>A, p.Val235Ile (NM_001379160.1, NM_001379161.1, NM_001379162.1 and 18 more transcripts); c.684G>A, p.Ser228= (NM_001379166.1); c.646+3875G>A (NM_172249.4); c.304G>A, p.Val102Ile (NM_001161532.2); short protein forms V235I, V102I.
Identifiers: ClinVar variation 1442166 (VCV001442166.5), dbSNP rs754889776, ClinGen allele CA10330958.

ClinVar aggregate classification (germline): Uncertain significance (1 of 4 stars; one submission).

Conditions:
Surfactant metabolism dysfunction, pulmonary, 4 (SMDP4). Also called: PAP DUE TO CSF2RA DEFICIENCY; PULMONARY ALVEOLAR PROTEINOSIS, CONGENITAL, 4; CSF2RA DEFICIENCY. Identifiers: Orphanet 264675, MedGen C2677877, MONDO:0010424, OMIM 300770.

Allele frequency attached by ClinVar (database versions not stated): ExAC 0.00001; gnomAD 0.00003 and 0.00004; gnomAD exomes 0.00003; TOPMed 0.00005.
gnomAD v4.1: 34 of 1,613,782 alleles (0.0021%); highest among the groups gnomAD compares: Middle Eastern, 0.016%; no homozygotes.

Submission:

Labcorp Genetics (formerly Invitae), Labcorp
Classification: Uncertain significance for Surfactant metabolism dysfunction, pulmonary, 4. Last evaluated: 2021-08-14. Review status: criteria provided, single submitter. Criteria: Invitae Variant Classification Sherloc (09022015). Collection method: clinical testing. Allele origin: germline.
Comment: This sequence change replaces valine with isoleucine at codon 235 of the CSF2RA protein (p.Val235Ile). The valine residue is weakly conserved and there is a small physicochemical difference between valine and isoleucine. This variant is present in population databases (no rsID available, ExAC 0.001%). This variant has not been reported in the literature in individuals affected with CSF2RA-related conditions. Algorithms developed to predict the effect of missense changes on protein structure and function output the following: SIFT: "Tolerated"; PolyPhen-2: "Benign"; Align-GVGD: "Class C0". The isoleucine amino acid residue is found in multiple mammalian species, which suggests that this missense change does not adversely affect protein function. In summary, the available evidence is currently insufficient to determine the role of this variant in disease. Therefore, it has been classified as a Variant of Uncertain Significance.